The following is an entry in ClinVar:

ClinVar aggregate classification (germline): Uncertain significance (1 of 4 stars; one submission).

Conditions:
3-methylglutaconic aciduria with deafness, encephalopathy, and Leigh-like syndrome (MEGDEL). Also called: MEGDEL syndrome; 3-METHYLGLUTACONIC ACIDURIA, TYPE VI; SERAC1 Deficiency. Identifiers: Orphanet 352328, MedGen C4040739, MONDO:0013875, OMIM 614739.

Allele frequency attached by ClinVar (database versions not stated): TOPMed below 0.00001; gnomAD exomes 0.00001; ExAC 0.00002.
gnomAD v4.1: 9 of 1,613,996 alleles (0.00056%); highest among the groups gnomAD compares: Admixed American, 0.012%; no homozygotes.

Submission:

Labcorp Genetics (formerly Invitae), Labcorp
Classification: Uncertain significance for 3-methylglutaconic aciduria with deafness, encephalopathy, and Leigh-like syndrome. Last evaluated: 2022-07-14. Review status: criteria provided, single submitter. Criteria: Invitae Variant Classification Sherloc (09022015). Collection method: clinical testing. Allele origin: germline.
Comment: In summary, the available evidence is currently insufficient to determine the role of this variant in disease. Therefore, it has been classified as a Variant of Uncertain Significance. Algorithms developed to predict the effect of missense changes on protein structure and function output the following: SIFT: "Tolerated"; PolyPhen-2: "Benign"; Align-GVGD: "Class C0". The glutamic acid amino acid residue is found in multiple mammalian species, which suggests that this missense change does not adversely affect protein function. This variant has not been reported in the literature in individuals affected with SERAC1-related conditions. This variant is present in population databases (rs770659012, gnomAD 0.01%). This sequence change replaces lysine, which is basic and polar, with glutamic acid, which is acidic and polar, at codon 291 of the SERAC1 protein (p.Lys291Glu).

NM_032861.4(SERAC1):c.871A>G (p.Lys291Glu)

Gene: SERAC1 (serine active site containing 1; minus strand). Cytogenetic location: 6q25.3.
Variant type: single nucleotide variant.
Coding change: c.871A>G on transcript NM_032861.4 (MANE Select); coding-DNA position 871, A replaced by G.
Protein change: p.Lys291Glu; replaces lysine 291 with glutamic acid.
Molecular consequence: missense variant. On other transcripts: non-coding transcript variant (1).
Genome position (GRCh38, 1-based): chr6:158,128,252, T>C on the plus strand (A>G on the coding strand, the complement: SERAC1 is on the minus strand). VCF-style: chr6-158128252-T-C. GRCh37 (hg19) VCF-style: chr6-158549284-T-C.
Other names: short protein forms K291E.
Identifiers: ClinVar variation 1942951 (VCV001942951.3), dbSNP rs770659012, ClinGen allele CA4071241.
Genomic context (GRCh38, chr6:158,128,252, plus strand): 5'-AGTCCTTGTGAAGTCGGTACAGCCTCTGAAGTAGCTGCAGGCCTCCATTTGCTTCGATTT[T>C]ATCACAATGTGTGGATATCTGGCACAATAAATAAACAGAAGCTCCCTTGACATTGTACAA-3'
Protein context (NP_116250.3, residues 281-301): KHSEISTHCD[Lys291Glu]IEANGGLQLL